The following is an entry in ClinVar:

NM_012464.5(TLL1):c.*9C>T

Gene: TLL1 (tolloid like 1; plus strand). Cytogenetic location: 4q32.3.
Variant type: single nucleotide variant.
Coding change: c.*9C>T on transcript NM_012464.5 (MANE Select); 9 bases downstream of the stop codon, C replaced by T.
Molecular consequence: 3 prime UTR variant.
Genome position (GRCh38, 1-based): chr4:166,100,885, C>T. VCF-style: chr4-166100885-C-T. GRCh37 (hg19) VCF-style: chr4-167022037-C-T.
Identifiers: ClinVar variation 3045301 (VCV003045301.2), dbSNP rs201069443, ClinGen allele CA3131396.

ClinVar aggregate classification (germline): Likely benign (0 of 4 stars; one submission).

Conditions:
TLL1-related disorder. Also called: TLL1-related condition.

Allele frequency attached by ClinVar (database versions not stated): gnomAD exomes 0.00004; ExAC 0.00013; 1000 Genomes Project 0.00040; 1000 Genomes Project 30x 0.00047; ESP Exome Variant Server 0.00054; TOPMed 0.00064; gnomAD 0.00066.
gnomAD v4.1: 167 of 1,612,058 alleles (0.01%); highest among the groups gnomAD compares: African/African-American, 0.18%; no homozygotes.

Submission:

PreventionGenetics, part of Exact Sciences
Classification: Likely benign for TLL1-related condition. Last evaluated: 2019-11-14. Review status: no assertion criteria provided. Collection method: clinical testing. Allele origin: germline.
Comment: This variant is classified as likely benign based on ACMG/AMP sequence variant interpretation guidelines (Richards et al. 2015 PMID: 25741868, with internal and published modifications).